The following is an entry in ClinVar:

NM_001287.6(CLCN7):c.157C>G (p.Leu53Val)

Gene: CLCN7 (chloride voltage-gated channel 7; minus strand). Cytogenetic location: 16p13.3.
Variant type: single nucleotide variant.
Coding change: c.157C>G on transcript NM_001287.6 (MANE Select); coding-DNA position 157, C replaced by G.
Protein change: p.Leu53Val; replaces leucine 53 with valine.
Molecular consequence: missense variant. On other transcripts: intron variant (1).
Genome position (GRCh38, 1-based): chr16:1,465,323, G>C on the plus strand (C>G on the coding strand, the complement: CLCN7 is on the minus strand). VCF-style: chr16-1465323-G-C. GRCh37 (hg19) VCF-style: chr16-1515324-G-C.
Other names: c.142-3649C>G (NM_001114331.3); short protein forms L53V.
Identifiers: ClinVar variation 2133578 (VCV002133578.4), dbSNP rs2505854442, ClinGen allele CA394193635.

ClinVar aggregate classification (germline): Uncertain significance (1 of 4 stars; one submission).

Submission:

Labcorp Genetics (formerly Invitae), Labcorp
Classification: Uncertain significance. Last evaluated: 2022-05-04. Review status: criteria provided, single submitter. Criteria: Invitae Variant Classification Sherloc (09022015). Collection method: clinical testing. Allele origin: germline.
Comment: In summary, the available evidence is currently insufficient to determine the role of this variant in disease. Therefore, it has been classified as a Variant of Uncertain Significance. Advanced modeling of protein sequence and biophysical properties (such as structural, functional, and spatial information, amino acid conservation, physicochemical variation, residue mobility, and thermodynamic stability) performed at Invitae indicates that this missense variant is not expected to disrupt CLCN7 protein function. This variant has not been reported in the literature in individuals affected with CLCN7-related conditions. This variant is not present in population databases (gnomAD no frequency). This sequence change replaces leucine, which is neutral and non-polar, with valine, which is neutral and non-polar, at codon 53 of the CLCN7 protein (p.Leu53Val).